The following is an entry in ClinVar:

NM_000262.3(NAGA):c.667del (p.Trp223fs)

Gene: NAGA (alpha-N-acetylgalactosaminidase; minus strand). Cytogenetic location: 22q13.2.
Variant type: Deletion.
Coding change: c.667del on transcript NM_000262.3 (MANE Select); coding-DNA position 667, one base deleted (T; older notation c.667delT).
Protein change: p.Trp223fs; shifts the reading frame from tryptophan 223.
Molecular consequence: frameshift variant.
Genome position (GRCh38, 1-based): chr22:42,065,830, A deleted on the plus strand (T on the coding strand, the reverse complement: NAGA is on the minus strand). VCF-style (leftmost placement, unchanged base first): chr22-42065829-CA-C. GRCh37 (hg19) VCF-style: chr22-42461833-CA-C.
Other names: c.667del, p.Trp223fs (NM_001362848.1, NM_001362850.1); short protein forms W223fs.
Identifiers: ClinVar variation 3725146 (VCV003725146.2).
Genomic context (GRCh38, chr22:42,065,829, plus strand): 5'-GCCACTGGCTGCAGTATGTCCTGGTGCTCCACGAACCAATTCAGGATGGAGAGCACGCTC[CA>C]CCAGGAGTCCTGGATGTCATCATAGTTACGCCAGAGGTTGCAGATGTCCGCCAGCAGACT-3'

ClinVar aggregate classification (germline): Pathogenic (1 of 4 stars; one submission).

Conditions:
Alpha-N-acetylgalactosaminidase deficiency type 1. Also called: SCHINDLER DISEASE, TYPE I; ALPHA-N-ACETYLGALACTOSAMINIDASE DEFICIENCY, TYPE I; NAGA DEFICIENCY, TYPE I; NEUROAXONAL DYSTROPHY, SCHINDLER TYPE. Identifiers: Orphanet 3137, Orphanet 79279, Orphanet 79281, MedGen C1836544, MONDO:0012221, OMIM 609241.

Submission:

Labcorp Genetics (formerly Invitae), Labcorp
Classification: Pathogenic for Alpha-N-acetylgalactosaminidase deficiency type 1. Last evaluated: 2024-11-13. Review status: criteria provided, single submitter. Criteria: Invitae Variant Classification Sherloc (09022015). Collection method: clinical testing. Allele origin: germline.
Comment: This sequence change creates a premature translational stop signal (p.Trp223Glyfs*7) in the NAGA gene. It is expected to result in an absent or disrupted protein product. Loss-of-function variants in NAGA are known to be pathogenic (PMID: 8782044, 11251574). This variant is not present in population databases (gnomAD no frequency). This variant has not been reported in the literature in individuals affected with NAGA-related conditions. Algorithms developed to predict the effect of sequence changes on RNA splicing suggest that this variant may disrupt the consensus splice site. For these reasons, this variant has been classified as Pathogenic.

Literature cited by the submitters: PubMed 8782044; PubMed 11251574.